The following is an entry in ClinVar:

NM_001003841.3(SLC6A19):c.640C>G (p.Arg214Gly)

Gene: SLC6A19 (solute carrier family 6 member 19; plus strand). Cytogenetic location: 5p15.33.
Variant type: single nucleotide variant.
Coding change: c.640C>G on transcript NM_001003841.3 (MANE Select); coding-DNA position 640, C replaced by G.
Protein change: p.Arg214Gly; replaces arginine 214 with glycine.
Molecular consequence: missense variant.
Genome position (GRCh38, 1-based): chr5:1,212,461, C>G. VCF-style: chr5-1212461-C-G. GRCh37 (hg19) VCF-style: chr5-1212576-C-G.
Other names: short protein forms R214G.
Identifiers: ClinVar variation 1418017 (VCV001418017.7), dbSNP rs201070872, ClinGen allele CA3182788.

ClinVar aggregate classification (germline): Uncertain significance. Review status: criteria provided, multiple submitters, no conflicts (2 of 4 stars). 2 submissions from 2 submitters: Uncertain significance (2). Last evaluated 2023-04-24.

Conditions:
Neutral 1 amino acid transport defect (HND). Also called: HARTNUP DISORDER; Hartnup disease. Identifiers: Orphanet 2116, MedGen C0018609, MONDO:0009324, OMIM 234500.
Iminoglycinuria. Identifiers: Orphanet 42062, MedGen C0268654, MONDO:0009448, OMIM 242600.
Hyperglycinuria. Also called: IMINOGLYCINURIA TYPE II; GLYCINURIA WITH OR WITHOUT OXALATE NEPHROLITHIASIS; GLYCINURIA WITH OR WITHOUT OXALATE UROLITHIASIS. Identifiers: MedGen C0543541, MONDO:0007677, OMIM 138500, HP:0003108.

Allele frequency attached by ClinVar (database versions not stated): 1000 Genomes Project 30x 0.00031; 1000 Genomes Project 0.00040.
gnomAD v4.1: 23 of 1,608,928 alleles (0.0014%); highest among the groups gnomAD compares: South Asian, 0.0033%; no homozygotes.

Submissions (2):

Labcorp Genetics (formerly Invitae), Labcorp
Classification: Uncertain significance. Last evaluated: 2023-04-24. Review status: criteria provided, single submitter. Criteria: Invitae Variant Classification Sherloc (09022015). Collection method: clinical testing. Allele origin: germline.
Comment: ClinVar contains an entry for this variant (Variation ID: 1418017). In summary, the available evidence is currently insufficient to determine the role of this variant in disease. Therefore, it has been classified as a Variant of Uncertain Significance. Advanced modeling of protein sequence and biophysical properties (such as structural, functional, and spatial information, amino acid conservation, physicochemical variation, residue mobility, and thermodynamic stability) performed at Invitae indicates that this missense variant is not expected to disrupt SLC6A19 protein function. This variant has not been reported in the literature in individuals affected with SLC6A19-related conditions. This variant is present in population databases (rs201070872, gnomAD 0.007%). This sequence change replaces arginine, which is basic and polar, with glycine, which is neutral and non-polar, at codon 214 of the SLC6A19 protein (p.Arg214Gly).

Fulgent Genetics
Classification: Uncertain significance for Hyperglycinuria; Neutral 1 amino acid transport defect; Iminoglycinuria. Last evaluated: 2021-11-08. Review status: criteria provided, single submitter. Criteria: ACMG Guidelines, 2015. Collection method: clinical testing. Allele origin: unknown.